The following is an entry in ClinVar:

ClinVar aggregate classification (germline): Uncertain significance (1 of 4 stars; one submission).

Conditions:
Familial adenomatous polyposis 1 (FAP1). Also called: FAMILIAL ADENOMATOUS POLYPOSIS 1, ATTENUATED; POLYPOSIS, ADENOMATOUS INTESTINAL. Identifiers: MedGen C2713442, MONDO:0021056, OMIM 175100. Disease mechanism: loss of function.

Submission:

Labcorp Genetics (formerly Invitae), Labcorp
Classification: Uncertain significance for Familial adenomatous polyposis 1. Last evaluated: 2025-11-03. Review status: criteria provided, single submitter. Criteria: Invitae Variant Classification Sherloc (09022015). Collection method: clinical testing. Allele origin: germline.
Comment: This variant, c.979_999dup, results in the insertion of 7 amino acid(s) of the APC protein (p.Lys327_Thr333dup), but otherwise preserves the integrity of the reading frame. This variant is not present in population databases (gnomAD no frequency). This variant has not been reported in the literature in individuals affected with APC-related conditions. In summary, the available evidence is currently insufficient to determine the role of this variant in disease. Therefore, it has been classified as a Variant of Uncertain Significance.

NM_000038.6(APC):c.979_999dup (p.Thr333_Leu334insLysAspAspMetSerArgThr)

Gene: APC (APC regulator of Wnt signaling pathway; plus strand). Cytogenetic location: 5q22.2.
Variant type: Duplication.
Coding change: c.979_999dup on transcript NM_000038.6 (MANE Select); coding-DNA positions 979 to 999, 21 bases duplicated (AAGGATGATATGTCGCGAACT).
Protein change: p.Thr333_Leu334insLysAspAspMetSerArgThr.
Molecular consequence: inframe insertion. On other transcripts: non-coding transcript variant (2), intron variant (15).
Genome position (GRCh38, 1-based): chr5:112,819,011-112,819,031, AAGGATGATATGTCGCGAACT duplicated; duplicating any 21 consecutive bases within chr5:112,819,010-112,819,031 gives the same sequence; the c. name uses the placement nearest the transcript's 3' end. VCF-style (leftmost placement, unchanged base first): chr5-112819009-A-ATAAGGATGATATGTCGCGAAC. GRCh37 (hg19) VCF-style: chr5-112154706-A-ATAAGGATGATATGTCGCGAAC.
Other names: c.979_999dup, p.Thr333_Leu334insLysAspAspMetSerArgThr (NM_001127510.3, NM_001354896.2, NM_001354895.2 and 4 more transcripts); c.904_924dup, p.Thr308_Leu309insLysAspAspMetSerArgThr (NM_001354898.2, NM_001407451.1); c.925_945dup, p.Thr315_Leu316insLysAspAspMetSerArgThr (NM_001127511.3); c.1009_1029dup, p.Thr343_Leu344insLysAspAspMetSerArgThr (NM_001354897.2, NM_001407446.1); c.895_915dup, p.Thr305_Leu306insLysAspAspMetSerArgThr (NM_001354899.2, NM_001407452.1); c.802_822dup, p.Thr274_Leu275insLysAspAspMetSerArgThr (NM_001354900.2, NM_001354901.2, NM_001407453.1); c.130_150dup, p.Thr50_Leu51insLysAspAspMetSerArgThr (NM_001354906.2, NM_001407470.1); c.85-258_85-238dup (NM_001407472.1, NM_001407471.1); and 5 more.
Identifiers: ClinVar variation 4730401 (VCV004730401.1).
Genomic context (GRCh38, chr5:112,819,009, plus strand): 5'-ACTCATTTGGCCCACAGGTGGAAATGGTGTATTCATTGTTGTCAATGCTTGGTACTCATG[A>ATAAGGATGATATGTCGCGAAC]TAAGGATGATATGTCGCGAACTTTGCTAGCTATGTCTAGCTCCCAAGACAGCTGTATATC-3'